The following is an entry in ClinVar:

ClinVar aggregate classification (germline): Uncertain significance (1 of 4 stars; one submission).

Submission:

Labcorp Genetics (formerly Invitae), Labcorp
Classification: Uncertain significance. Last evaluated: 2021-08-02. Review status: criteria provided, single submitter. Criteria: Invitae Variant Classification Sherloc (09022015). Collection method: clinical testing. Allele origin: germline.
Comment: This sequence change replaces histidine with aspartic acid at codon 335 of the TNNI3K protein (p.His335Asp). The histidine residue is highly conserved and there is a moderate physicochemical difference between histidine and aspartic acid. This variant is not present in population databases (ExAC no frequency). This variant has not been reported in the literature in individuals affected with TNNI3K-related conditions. Algorithms developed to predict the effect of missense changes on protein structure and function are either unavailable or do not agree on the potential impact of this missense change (SIFT: "Deleterious"; PolyPhen-2: "Benign"; Align-GVGD: "Class C65"). In summary, the available evidence is currently insufficient to determine the role of this variant in disease. Therefore, it has been classified as a Variant of Uncertain Significance.

NM_015978.3(TNNI3K):c.1003C>G (p.His335Asp)

Genes: FPGT-TNNI3K (FPGT-TNNI3K readthrough; plus strand), TNNI3K (TNNI3 interacting kinase; plus strand). Cytogenetic location: 1p31.1.
Variant type: single nucleotide variant.
Coding change: c.1003C>G on transcript NM_015978.3 (MANE Select); coding-DNA position 1003, C replaced by G.
Protein change: p.His335Asp; replaces histidine 335 with aspartic acid.
Molecular consequence: missense variant.
Genome position (GRCh38, 1-based): chr1:74,353,336, C>G. VCF-style: chr1-74353336-C-G. GRCh37 (hg19) VCF-style: chr1-74819020-C-G.
Other names: c.1306C>G, p.His436Asp (NM_001112808.3, NM_001199327.2); short protein forms H335D, H436D.
Identifiers: ClinVar variation 1371637 (VCV001371637.1), dbSNP rs2100478235, ClinGen allele CA340783797.